The following is an entry in ClinVar:

ClinVar aggregate classification (germline): Likely pathogenic (1 of 4 stars; one submission).

Conditions:
Seizures, benign familial infantile, 5 (BFIS5). Also called: CONVULSIONS, BENIGN FAMILIAL INFANTILE, 5. Identifiers: Orphanet 306, MedGen C4310728, MONDO:0014903, OMIM 617080.
Developmental and epileptic encephalopathy, 13 (DEE13). Also called: Developmental and Epileptic Encephalopathy (SCN8A-DEE); Early infantile epileptic encephalopathy 13; SCN8A-Related Epilepsy. Identifiers: Orphanet 442835, MedGen C3281191, MONDO:0013801, OMIM 614558.
Cognitive impairment with or without cerebellar ataxia (CIAT). Identifiers: MedGen C3280415, MONDO:0013680, OMIM 614306.

Submission:

Greenwood Genetic Center Diagnostic Laboratories, Greenwood Genetic Center
Classification: Likely pathogenic for Cognitive impairment with or without cerebellar ataxia; Developmental and epileptic encephalopathy, 13; Seizures, benign familial infantile, 5. Last evaluated: 2021-07-19. Review status: criteria provided, single submitter. Criteria: ACMG Guidelines, 2015. Collection method: clinical testing. Allele origin: germline. Affected: yes.
Comment: PVS1, PM2

NM_001330260.2(SCN8A):c.2824_2825insA (p.Trp942Ter)

Gene: SCN8A (sodium voltage-gated channel alpha subunit 8; plus strand). Cytogenetic location: 12q13.13.
Variant type: Insertion.
Coding change: c.2824_2825insA on transcript NM_001330260.2 (MANE Select); coding-DNA positions 2824 to 2825, A inserted.
Protein change: p.Trp942Ter; replaces tryptophan 942 with a stop codon.
Molecular consequence: nonsense.
Genome position: GRCh38 VCF-style: chr12-51765950-T-TA. GRCh37 (hg19) VCF-style: chr12-52159734-T-TA.
Other names: c.2824_2825insA, p.Trp942Ter (NM_001177984.3, NM_001369788.1, NM_014191.4); short protein forms W942*.
Identifiers: ClinVar variation 1334502 (VCV001334502.4), dbSNP rs2138863024, ClinGen allele CA2573053698.
Genomic context (GRCh38, chr12:51,765,950, plus strand): 5'-TTTTTCCATTCCTTCCTCATTGTCTTTCGAGTGTTGTGCGGGGAGTGGATTGAGACCATG[T>TA]GGGACTGCATGGAAGTGGCAGGCCAGGCCATGTGCCTCATTGTCTTTATGATGGTCATGG-3'